The following is an entry in ClinVar:

ClinVar aggregate classification (germline): Benign/Likely benign. Review status: criteria provided, multiple submitters, no conflicts (2 of 4 stars). 5 submissions from 5 submitters: Benign (2); Likely benign (2). 1 of the submissions does not count toward it. Last evaluated 2026-01-26.

Conditions:
L-2-hydroxyglutaric aciduria (L2HGA). Identifiers: Orphanet 79314, MedGen C1855995, MONDO:0009370, OMIM 236792, HP:0040144.
L2HGDH-related disorder. Also called: L2HGDH-related condition.

Allele frequency attached by ClinVar (database versions not stated): gnomAD exomes 0.00013 and 0.00031; 1000 Genomes Project 0.00020; 1000 Genomes Project 30x 0.00031; ExAC 0.00038; gnomAD 0.00100 and 0.00106; TOPMed 0.00114; ESP Exome Variant Server 0.00123.
gnomAD v4.1: 361 of 1,613,838 alleles (0.022%); highest among the groups gnomAD compares: African/African-American, 0.34%; no homozygotes.

Submissions (5):

Labcorp Genetics (formerly Invitae), Labcorp
Classification: Benign for L-2-hydroxyglutaric aciduria. Last evaluated: 2026-01-26. Review status: criteria provided, single submitter. Criteria: Invitae Variant Classification Sherloc (09022015). Collection method: clinical testing. Allele origin: germline.

Mayo Clinic Laboratories, Mayo Clinic
Classification: Likely benign. Last evaluated: 2025-06-05. Review status: criteria provided, single submitter. Criteria: ACMG Guidelines, 2015. Collection method: clinical testing. Allele origin: germline. Observed: 3 variant alleles.
Comment: BS1, BP4, BP7

Blueprint Genetics
Classification: Likely benign. Last evaluated: 2024-11-14. Review status: criteria provided, single submitter. Criteria: ACMG Guidelines, 2015. Collection method: clinical testing. Allele origin: germline.

Athena Diagnostics
Classification: Benign. Last evaluated: 2018-03-08. Review status: criteria provided, single submitter. Criteria: Athena Diagnostics Criteria. Collection method: clinical testing. Allele origin: germline.

PreventionGenetics, part of Exact Sciences
Classification: Likely benign for L2HGDH-related condition. Last evaluated: 2019-03-22. Review status: no assertion criteria provided. Collection method: clinical testing. Allele origin: germline. Not counted in ClinVar's aggregate classification.
Comment: This variant is classified as likely benign based on ACMG/AMP sequence variant interpretation guidelines (Richards et al. 2015 PMID: 25741868, with internal and published modifications).

NM_024884.3(L2HGDH):c.510G>A (p.Glu170=)

Gene: L2HGDH (L-2-hydroxyglutarate dehydrogenase; minus strand). Cytogenetic location: 14q21.3.
Variant type: single nucleotide variant.
Coding change: c.510G>A on transcript NM_024884.3 (MANE Select); coding-DNA position 510, G replaced by A.
Protein change: p.Glu170=; no amino-acid change (glutamic acid 170 retained).
Molecular consequence: synonymous variant.
Genome position (GRCh38, 1-based): chr14:50,294,145, C>T on the plus strand (G>A on the coding strand, the complement: L2HGDH is on the minus strand). VCF-style: chr14-50294145-C-T. GRCh37 (hg19) VCF-style: chr14-50760863-C-T.
Other names: p.Glu170=.
Identifiers: ClinVar variation 586108 (VCV000586108.14), dbSNP rs151305613, ClinGen allele CA7178008.